The following is an entry in ClinVar:

ClinVar aggregate classification (germline): Uncertain risk allele (1 of 4 stars; one submission).

Conditions:
Wolfram syndrome 1 (WFS1). Identifiers: Orphanet 3463, MedGen C4551693, MONDO:0009101, OMIM 222300.

Allele frequency attached by ClinVar (database versions not stated): gnomAD exomes below 0.00001; TOPMed below 0.00001; gnomAD 0.00001.
gnomAD v4.1: 4 of 1,613,858 alleles (0.00025%); highest among the groups gnomAD compares: African/African-American, 0.0013%; no homozygotes.

Submission:

Clinical Genomics, Uppaluri K&H Personalized Medicine Clinic
Classification: Uncertain risk allele for Wolfram syndrome 1. Review status: criteria provided, single submitter. Criteria: K & H Uppaluri Personalized Medicine Clinic Variant Classification & Assertion Criteria_Updated V.1. Collection method: research. Allele origin: unknown. Inheritance: Autosomal recessive inheritance.
Comment: Potent mutations in WFS1 gene are associated with Wolfram's syndrome, an autosomal recessive condition, which cause diabetes mellitus, diabetes insipidus, deafness and optic atrophy. However no sufficient evidence is found to ascertain the role of this particular variant rs1057368575 in Wolfram's syndrome yet.

Literature cited by the submitters: PubMed 20738327; PubMed 33879153; PubMed 12955714; PubMed 18060660; PubMed 20301750; PubMed 17603484.

NM_006005.3(WFS1):c.968A>T (p.His323Leu)

Gene: WFS1 (wolframin ER transmembrane glycoprotein; plus strand). Cytogenetic location: 4p16.1.
Variant type: single nucleotide variant.
Coding change: c.968A>T on transcript NM_006005.3 (MANE Select); coding-DNA position 968, A replaced by T.
Protein change: p.His323Leu; replaces histidine 323 with leucine.
Molecular consequence: missense variant.
Genome position (GRCh38, 1-based): chr4:6,300,763, A>T. VCF-style: chr4-6300763-A-T. GRCh37 (hg19) VCF-style: chr4-6302490-A-T.
Other names: c.968A>T, p.His323Leu (NM_001145853.1); short protein forms H323L.
Identifiers: ClinVar variation 1810353 (VCV001810353.1), dbSNP rs1057368575, ClinGen allele CA91796217.